The following is an entry in ClinVar:

NM_001005242.3(PKP2):c.2167+3G>T

Gene: PKP2 (plakophilin 2; minus strand). Cytogenetic location: 12p11.21.
Variant type: single nucleotide variant.
Coding change: c.2167+3G>T on transcript NM_001005242.3 (MANE Select); 3 bases into the intron after coding-DNA position 2167, G replaced by T.
Molecular consequence: intron variant.
Genome position (GRCh38, 1-based): chr12:32,802,400, C>A on the plus strand (G>T on the coding strand, the complement: PKP2 is on the minus strand). VCF-style: chr12-32802400-C-A. GRCh37 (hg19) VCF-style: chr12-32955334-C-A.
Other names: c.2299+3G>T (NM_004572.4).
Identifiers: ClinVar variation 1424164 (VCV001424164.6), dbSNP rs2137725110, ClinGen allele CA2573148582.

ClinVar aggregate classification (germline): Uncertain significance (1 of 4 stars; one submission).

Conditions:
Arrhythmogenic right ventricular dysplasia 9 (ARVD9). Also called: Arrhythmogenic Right Ventricular Dysplasia/Cardiomyopathy 9; ARRHYTHMOGENIC RIGHT VENTRICULAR DYSPLASIA, FAMILIAL, 9. Identifiers: MedGen C1836906, MONDO:0012180, OMIM 609040.

Submission:

Labcorp Genetics (formerly Invitae), Labcorp
Classification: Uncertain significance for Arrhythmogenic right ventricular dysplasia 9. Last evaluated: 2020-11-04. Review status: criteria provided, single submitter. Criteria: Invitae Variant Classification Sherloc (09022015). Collection method: clinical testing. Allele origin: germline.
Comment: In summary, the available evidence is currently insufficient to determine the role of this variant in disease. Therefore, it has been classified as a Variant of Uncertain Significance. Nucleotide substitutions within the consensus splice site are a relatively common cause of aberrant splicing (PMID: 17576681, 9536098). Algorithms developed to predict the effect of sequence changes on RNA splicing suggest that this variant may disrupt the consensus splice site, but this prediction has not been confirmed by published transcriptional studies. This variant has not been reported in the literature in individuals with PKP2-related conditions. This variant is not present in population databases (ExAC no frequency). This sequence change falls in intron 11 of the PKP2 gene. It does not directly change the encoded amino acid sequence of the PKP2 protein. It affects a nucleotide within the consensus splice site of the intron.

Literature cited by the submitters: PubMed 17576681; PubMed 9536098.